The following is an entry in ClinVar:

ClinVar aggregate classification (germline): Uncertain significance (1 of 4 stars; one submission).

Allele frequency attached by ClinVar (database versions not stated): gnomAD exomes below 0.00001; TOPMed 0.00002; ESP Exome Variant Server 0.00015.
gnomAD v4.1: 2 of 1,613,340 alleles (0.00012%); highest among the groups gnomAD compares: Non-Finnish European, 0.00017%; no homozygotes.

Submission:

CeGaT Center for Human Genetics Tuebingen
Classification: Uncertain significance. Last evaluated: 2022-08-01. Review status: criteria provided, single submitter. Criteria: CeGaT Center For Human Genetics Tuebingen Variant Classification Criteria Version 2. Collection method: clinical testing. Allele origin: germline. Affected: yes. Observed: 1 variant allele.
Comment: ADGRG1: PM2, BP4

NM_201525.4(ADGRG1):c.485A>G (p.His162Arg)

Gene: ADGRG1 (adhesion G protein-coupled receptor G1; plus strand). Cytogenetic location: 16q21.
Variant type: single nucleotide variant.
Coding change: c.485A>G on transcript NM_201525.4 (MANE Select); coding-DNA position 485, A replaced by G.
Protein change: p.His162Arg; replaces histidine 162 with arginine.
Molecular consequence: missense variant. On other transcripts: 5 prime UTR variant (5), intron variant (1).
Genome position (GRCh38, 1-based): chr16:57,651,620, A>G. VCF-style: chr16-57651620-A-G. GRCh37 (hg19) VCF-style: chr16-57685532-A-G.
Other names: c.485A>G, p.His162Arg (NM_001370439.1, NM_001370440.1, NM_001370441.1 and 16 more transcripts); c.329A>G, p.His110Arg (NM_001370442.1); c.-41A>G (NM_001370451.1, NM_001370453.1, NM_001370454.1 and 2 more transcripts); c.110+375A>G (NM_001290142.2); c.500A>G, p.His167Arg (NM_001145773.3, NM_001370433.1); short protein forms H110R, H162R, H167R.
Identifiers: ClinVar variation 2646560 (VCV002646560.24), dbSNP rs376287842, ClinGen allele CA281572894.